The following is an entry in ClinVar:

ClinVar aggregate classification (germline): Benign (1 of 4 stars; one submission).

Allele frequency attached by ClinVar (database versions not stated): gnomAD 0.05907 and 0.06075; TOPMed 0.07021; 1000 Genomes Project 0.07568; 1000 Genomes Project 30x 0.07651.
gnomAD v4.1: 9,218 of 152,202 alleles (6.1%); highest among the groups gnomAD compares: Admixed American, 14%; 411 homozygotes.

Submission:

GeneDx
Classification: Benign. Last evaluated: 2018-06-16. Review status: criteria provided, single submitter. Criteria: GeneDx Variant Classification (06012015). Collection method: clinical testing. Allele origin: germline. Affected: yes.
Comment: This variant is considered likely benign or benign based on one or more of the following criteria: it is a conservative change, it occurs at a poorly conserved position in the protein, it is predicted to be benign by multiple in silico algorithms, and/or has population frequency not consistent with disease.

NM_005677.4(COLQ):c.1196-221G>A

Gene: COLQ (collagen like tail subunit of asymmetric acetylcholinesterase; minus strand). Cytogenetic location: 3p25.1.
Variant type: single nucleotide variant.
Coding change: c.1196-221G>A on transcript NM_005677.4 (MANE Select); 221 bases into the intron before coding-DNA position 1196, G replaced by A.
Molecular consequence: intron variant.
Genome position (GRCh38, 1-based): chr3:15,454,152, C>T on the plus strand (G>A on the coding strand, the complement: COLQ is on the minus strand). VCF-style: chr3-15454152-C-T. GRCh37 (hg19) VCF-style: chr3-15495659-C-T.
Other names: c.1094-221G>A (NM_080539.4); c.1166-221G>A (NM_080538.2).
Identifiers: ClinVar variation 681296 (VCV000681296.1), dbSNP rs3773457, ClinGen allele CA15246053.